The following is an entry in ClinVar:

ClinVar aggregate classification (germline): Uncertain significance (1 of 4 stars; one submission).

Submission:

Labcorp Genetics (formerly Invitae), Labcorp
Classification: Uncertain significance. Last evaluated: 2025-10-15. Review status: criteria provided, single submitter. Criteria: Invitae Variant Classification Sherloc (09022015). Collection method: clinical testing. Allele origin: germline.
Comment: This sequence change replaces proline, which is neutral and non-polar, with leucine, which is neutral and non-polar, at codon 127 of the RAX2 protein (p.Pro127Leu). This variant is present in population databases (no rsID available, gnomAD 0.03%). This variant has not been reported in the literature in individuals affected with RAX2-related conditions. ClinVar contains an entry for this variant (Variation ID: 2078549). An algorithm developed to predict the effect of missense changes on protein structure and function (PolyPhen-2) suggests that this variant is likely to be disruptive. In summary, the available evidence is currently insufficient to determine the role of this variant in disease. Therefore, it has been classified as a Variant of Uncertain Significance.

NM_001319074.4(RAX2):c.380C>T (p.Pro127Leu)

Gene: RAX2 (retina and anterior neural fold homeobox 2; minus strand). Cytogenetic location: 19p13.3.
Variant type: single nucleotide variant.
Coding change: c.380C>T on transcript NM_001319074.4 (MANE Select); coding-DNA position 380, C replaced by T.
Protein change: p.Pro127Leu; replaces proline 127 with leucine.
Molecular consequence: missense variant.
Genome position (GRCh38, 1-based): chr19:3,770,796, G>A on the plus strand (C>T on the coding strand, the complement: RAX2 is on the minus strand). VCF-style: chr19-3770796-G-A. GRCh37 (hg19) VCF-style: chr19-3770794-G-A.
Other names: c.380C>T, p.Pro127Leu (NM_032753.4); short protein forms P127L.
Identifiers: ClinVar variation 2078549 (VCV002078549.4), dbSNP rs1253237453, ClinGen allele CA403374612.